The following is an entry in ClinVar:

ClinVar aggregate classification (germline): Pathogenic (1 of 4 stars; one submission).

Conditions:
Retinitis pigmentosa 71 (RP71). Identifiers: Orphanet 791, MedGen C4225342, MONDO:0014618, OMIM 616394.
Short-rib thoracic dysplasia 10 with or without polydactyly (SRTD10). Identifiers: Orphanet 474, MedGen C3810175, MONDO:0014284, OMIM 615630.

gnomAD v4.1: 6 of 1,614,098 alleles (0.00037%); highest among the groups gnomAD compares: South Asian, 0.0066%; no homozygotes.

Submission:

Labcorp Genetics (formerly Invitae), Labcorp
Classification: Pathogenic for Retinitis pigmentosa 71; Short-rib thoracic dysplasia 10 with or without polydactyly. Last evaluated: 2024-04-02. Review status: criteria provided, single submitter. Criteria: Invitae Variant Classification Sherloc (09022015). Collection method: clinical testing. Allele origin: germline.
Comment: This sequence change creates a premature translational stop signal (p.Glu1212*) in the IFT172 gene. It is expected to result in an absent or disrupted protein product. Loss-of-function variants in IFT172 are known to be pathogenic (PMID: 24140113). This variant is present in population databases (rs764315033, gnomAD 0.006%). This variant has not been reported in the literature in individuals affected with IFT172-related conditions. Algorithms developed to predict the effect of sequence changes on RNA splicing suggest that this variant may disrupt the consensus splice site. For these reasons, this variant has been classified as Pathogenic.

Literature cited by the submitters: PubMed 24140113.

NM_015662.3(IFT172):c.3634G>T (p.Glu1212Ter)

Genes: IFT172 (intraflagellar transport 172; minus strand), LOC126806173 (BRD4-independent group 4 enhancer GRCh37_chr2:27676057-27677256; plus strand). Cytogenetic location: 2p23.3.
Variant type: single nucleotide variant.
Coding change: c.3634G>T on transcript NM_015662.3 (MANE Select); coding-DNA position 3634, G replaced by T.
Protein change: p.Glu1212Ter; replaces glutamic acid 1212 with a stop codon.
Molecular consequence: nonsense.
Genome position (GRCh38, 1-based): chr2:27,454,059, C>A on the plus strand (G>T on the coding strand, the complement: IFT172 is on the minus strand). VCF-style: chr2-27454059-C-A. GRCh37 (hg19) VCF-style: chr2-27676926-C-A.
Other names: c.3568G>T, p.Glu1190Ter (NM_001410739.1); short protein forms E1190*, E1212*.
Identifiers: ClinVar variation 3755643 (VCV003755643.2).